The following is an entry in ClinVar:

ClinVar aggregate classification (germline): Uncertain significance (1 of 4 stars; one submission).

Conditions:
Hereditary sensory and autonomic neuropathy type 6. Also called: HSAN VI; Neuropathy, hereditary sensory and autonomic, type VI. Identifiers: Orphanet 314381, MedGen C3539003, MONDO:0013839, OMIM 614653.
Epidermolysis bullosa simplex 3, localized or generalized intermediate, with BP230 deficiency (EBS3). Also called: Epidermolysis bullosa simplex due to BP230 deficiency; Epidermolysis bullosa simplex, autosomal recessive 2. Identifiers: Orphanet 412181, MedGen C3809470, MONDO:0014180, OMIM 615425.

Allele frequency attached by ClinVar (database versions not stated): gnomAD 0.00001; TOPMed 0.00001; ESP Exome Variant Server 0.00008.
gnomAD v4.1: 10 of 1,614,046 alleles (0.00062%); highest among the groups gnomAD compares: African/African-American, 0.0013%; no homozygotes.

Submission:

Labcorp Genetics (formerly Invitae), Labcorp
Classification: Uncertain significance for Epidermolysis bullosa simplex 3, localized or generalized intermediate, with BP230 deficiency; Hereditary sensory and autonomic neuropathy type 6. Last evaluated: 2024-10-16. Review status: criteria provided, single submitter. Criteria: Invitae Variant Classification Sherloc (09022015). Collection method: clinical testing. Allele origin: germline.
Comment: This sequence change replaces cysteine, which is neutral and slightly polar, with arginine, which is basic and polar, at codon 2004 of the DST protein (p.Cys2004Arg). This variant is present in population databases (rs371493453, gnomAD 0.004%). This variant has not been reported in the literature in individuals affected with DST-related conditions. ClinVar contains an entry for this variant (Variation ID: 2044377). An algorithm developed to predict the effect of missense changes on protein structure and function (PolyPhen-2) suggests that this variant¬¨‚Ä†is likely to be tolerated. In summary, the available evidence is currently insufficient to determine the role of this variant in disease. Therefore, it has been classified as a Variant of Uncertain Significance.

NM_001723.7(DST):c.6010T>C (p.Cys2004Arg)

Gene: DST (dystonin; minus strand). Cytogenetic location: 6p12.1.
Variant type: single nucleotide variant.
Coding change: c.6010T>C on transcript NM_001723.7 (MANE Plus Clinical); coding-DNA position 6010, T replaced by C.
Protein change: p.Cys2004Arg; replaces cysteine 2004 with arginine.
Molecular consequence: missense variant. On other transcripts: intron variant (10).
Genome position (GRCh38, 1-based): chr6:56,618,024, A>G on the plus strand (T>C on the coding strand, the complement: DST is on the minus strand). VCF-style: chr6-56618024-A-G. GRCh37 (hg19) VCF-style: chr6-56482822-A-G.
Other names: c.4831-3540T>C (NM_001144769.5); c.4930-3540T>C (NM_001374722.1, NM_001374736.1); c.4957-3540T>C (NM_001374734.1); c.4417-3540T>C (NM_001144770.2); c.4297-3540T>C (NM_001374730.1, NM_001386100.1, NM_183380.4 and 1 more transcripts); c.3319-3540T>C (NM_015548.5); short protein forms C2004R.
Identifiers: ClinVar variation 2044377 (VCV002044377.3), dbSNP rs371493453, ClinGen allele CA139208596.
Genomic context (GRCh38, chr6:56,618,024, plus strand): 5'-GGTCTCAGAACACAGAGTATACCTCTAAGGGTGTCAAAACCTTCACCAGTTCCATTTCAC[A>G]TGCGTTATCTTGATACCTAACAGGTGGTCTAGAATTGTTCAGGGCTTGGTCTCTTATCTT-3'
Protein context (NP_001714.1, residues 1994-2014): RPPVRYQDNA[Cys2004Arg]EMELVKVLTP